The following is an entry in ClinVar:

ClinVar aggregate classification (germline): Uncertain significance (1 of 4 stars; one submission).

Conditions:
Neurofibromatosis, type 1 (NF1). Also called: VON RECKLINGHAUSEN DISEASE; Neurofibromatosis, type I; Peripheral type neurofibromatosis; NEUROFIBROMATOSIS, TYPE I, SOMATIC. Identifiers: Orphanet 636, MedGen C0027831, MONDO:0018975, OMIM 162200. Disease mechanism: loss of function.

Submission:

Labcorp Genetics (formerly Invitae), Labcorp
Classification: Uncertain significance for Neurofibromatosis, type 1. Last evaluated: 2023-03-31. Review status: criteria provided, single submitter. Criteria: Invitae Variant Classification Sherloc (09022015). Collection method: clinical testing. Allele origin: germline.
Comment: This sequence change replaces aspartic acid, which is acidic and polar, with tyrosine, which is neutral and polar, at codon 2287 of the NF1 protein (p.Asp2287Tyr). This variant is not present in population databases (gnomAD no frequency). This variant has not been reported in the literature in individuals affected with NF1-related conditions. An algorithm developed to predict the effect of missense changes on protein structure and function (PolyPhen-2) suggests that this variant is likely to be disruptive. Algorithms developed to predict the effect of sequence changes on RNA splicing suggest that this variant may create or strengthen a splice site. In summary, the available evidence is currently insufficient to determine the role of this variant in disease. Therefore, it has been classified as a Variant of Uncertain Significance.

NM_001042492.3(NF1):c.6922G>T (p.Asp2308Tyr)

Gene: NF1 (neurofibromin 1; plus strand). Cytogenetic location: 17q11.2.
Variant type: single nucleotide variant.
Coding change: c.6922G>T on transcript NM_001042492.3 (MANE Select); coding-DNA position 6922, G replaced by T.
Protein change: p.Asp2308Tyr; replaces aspartic acid 2308 with tyrosine.
Molecular consequence: missense variant.
Genome position (GRCh38, 1-based): chr17:31,340,505, G>T. VCF-style: chr17-31340505-G-T. GRCh37 (hg19) VCF-style: chr17-29667523-G-T.
Other names: c.6859G>T, p.Asp2287Tyr (NM_000267.4); short protein forms D2287Y, D2308Y.
Identifiers: ClinVar variation 2851180 (VCV002851180.3), dbSNP rs775660003, ClinGen allele CA399014841.